The following is an entry in ClinVar:

NM_000051.4(ATM):c.5655C>A (p.Thr1885=)

Gene: ATM (ATM serine/threonine kinase; plus strand). Cytogenetic location: 11q22.3.
Variant type: single nucleotide variant.
Coding change: c.5655C>A on transcript NM_000051.4 (MANE Select); coding-DNA position 5655, C replaced by A.
Protein change: p.Thr1885=; no amino-acid change (threonine 1885 retained).
Molecular consequence: synonymous variant.
Genome position (GRCh38, 1-based): chr11:108,304,833, C>A. VCF-style: chr11-108304833-C-A. GRCh37 (hg19) VCF-style: chr11-108175560-C-A.
Other names: c.5655C>A, p.Thr1885= (NM_001351834.2).
Identifiers: ClinVar variation 2916692 (VCV002916692.5), dbSNP rs1555107577, ClinGen allele CA476675193.
Genomic context (GRCh38, chr11:108,304,833, plus strand): 5'-TGTTCAGGGATTTTTCACCAGCTGTCTTCGACACTTCTCGCAAACGAGCCGATCCACAAC[C>A]CCTGCAAACTTGGATTCAGGTATTCTATTAAATTTTTAACATTAATACTGTAAACTCAGT-3'
Protein context (NP_000042.3, residues 1875-1895): RHFSQTSRST[Thr1885=]PANLDSESEH

ClinVar aggregate classification (germline): Benign/Likely benign. Review status: criteria provided, multiple submitters, no conflicts (2 of 4 stars). 3 submissions from 3 submitters: Benign (1); Likely benign (2). Last evaluated 2024-05-23.

Conditions:
Ataxia-telangiectasia syndrome (AT). Also called: Ataxia-telangiectasia, complementation group D; LOUIS-BAR SYNDROME; AT, COMPLEMENTATION GROUP C; ATAXIA-TELANGIECTASIA, COMPLEMENTATION GROUP A; ATAXIA-TELANGIECTASIA, FRESNO VARIANT; Ataxia-telangiectasia. Identifiers: Orphanet 100, MedGen C0004135, MONDO:0008840, OMIM 208900.
Hereditary cancer-predisposing syndrome. Also called: Neoplastic Syndromes, Hereditary; Tumor predisposition; Hereditary neoplastic syndrome; Hereditary Cancer Syndrome. Identifiers: Orphanet 140162, MedGen C0027672, MeSH D009386, MONDO:0015356.
Familial cancer of breast. Also called: BREAST CANCER, FAMILIAL; hereditary breast carcinoma; Hereditary breast cancer. Identifiers: Orphanet 227535, MedGen C0346153, MONDO:0016419, OMIM 114480. Disease mechanism: loss of function.

Submissions (3):

Myriad Genetics, Inc.
Classification: Benign for Familial cancer of breast. Last evaluated: 2024-05-23. Review status: criteria provided, single submitter. Criteria: Myriad Autosomal Dominant, Autosomal Recessive and X-Linked Classification Criteria (2023). Collection method: clinical testing. Allele origin: unknown.
Comment: This variant is considered benign. This variant is a silent/synonymous amino acid change and it is not expected to impact splicing.

Ambry Genetics
Classification: Likely benign for Hereditary cancer-predisposing syndrome. Last evaluated: 2023-10-16. Review status: criteria provided, single submitter. Criteria: Ambry Variant Classification Scheme 2023. Collection method: clinical testing. Allele origin: germline.

Labcorp Genetics (formerly Invitae), Labcorp
Classification: Likely benign for Ataxia-telangiectasia syndrome. Last evaluated: 2022-12-30. Review status: criteria provided, single submitter. Criteria: Invitae Variant Classification Sherloc (09022015). Collection method: clinical testing. Allele origin: germline.